The following is an entry in ClinVar:

ClinVar aggregate classification (germline): Uncertain significance (1 of 4 stars; one submission).

Conditions:
Hereditary cancer-predisposing syndrome. Also called: Tumor predisposition; Hereditary Cancer Syndrome; Neoplastic Syndromes, Hereditary; Hereditary neoplastic syndrome. Identifiers: Orphanet 140162, MedGen C0027672, MeSH D009386, MONDO:0015356.

Allele frequency attached by ClinVar (database versions not stated): gnomAD exomes below 0.00001.
gnomAD v4.1: 1 of 1,614,206 alleles (0.000062%); highest among the groups gnomAD compares: Non-Finnish European, 0.000085%; no homozygotes.

Submission:

Ambry Genetics
Classification: Uncertain significance for Hereditary cancer-predisposing syndrome. Last evaluated: 2022-05-11. Review status: criteria provided, single submitter. Criteria: Ambry Variant Classification Scheme 2023. Collection method: clinical testing. Allele origin: germline.
Comment: The p.H864R variant (also known as c.2591A>G), located in coding exon 15 of the APC gene, results from an A to G substitution at nucleotide position 2591. The histidine at codon 864 is replaced by arginine, an amino acid with highly similar properties. This amino acid position is well conserved in available vertebrate species. In addition, in silico predictors for this gene do not accurately predict pathogenicity. Since supporting evidence is limited at this time, the clinical significance of this alteration remains unclear.

NM_000038.6(APC):c.2591A>G (p.His864Arg)

Gene: APC (APC regulator of Wnt signaling pathway; plus strand). Cytogenetic location: 5q22.2.
Variant type: single nucleotide variant.
Coding change: c.2591A>G on transcript NM_000038.6 (MANE Select); coding-DNA position 2591, A replaced by G.
Protein change: p.His864Arg; replaces histidine 864 with arginine.
Molecular consequence: missense variant.
Genome position (GRCh38, 1-based): chr5:112,838,185, A>G. VCF-style: chr5-112838185-A-G. GRCh37 (hg19) VCF-style: chr5-112173882-A-G.
Other names: c.2591A>G, p.His864Arg (NM_001127510.3, NM_001354895.2, NM_001407450.1); c.2537A>G, p.His846Arg (NM_001127511.3); c.2645A>G, p.His882Arg (NM_001354896.2, NM_001407447.1, NM_001407448.1 and 1 more transcripts); c.2621A>G, p.His874Arg (NM_001354897.2); c.2516A>G, p.His839Arg (NM_001354898.2); c.2507A>G, p.His836Arg (NM_001354899.2); c.2468A>G, p.His823Arg (NM_001354900.2); c.2414A>G, p.His805Arg (NM_001354901.2, NM_001407453.1); and 11 more; short protein forms H704R, H738R, H805R, H823R, H836R, H773R, H839R, H846R.
Identifiers: ClinVar variation 1793522 (VCV001793522.2), dbSNP rs1184624284, ClinGen allele CA16027006.